The following is an entry in ClinVar:

NM_001852.4(COL9A2):c.1715C>T (p.Pro572Leu)

Gene: COL9A2 (collagen type IX alpha 2 chain; minus strand). Cytogenetic location: 1p34.2.
Variant type: single nucleotide variant.
Coding change: c.1715C>T on transcript NM_001852.4 (MANE Select); coding-DNA position 1715, C replaced by T.
Protein change: p.Pro572Leu; replaces proline 572 with leucine.
Molecular consequence: missense variant.
Genome position (GRCh38, 1-based): chr1:40,302,698, G>A on the plus strand (C>T on the coding strand, the complement: COL9A2 is on the minus strand). VCF-style: chr1-40302698-G-A. GRCh37 (hg19) VCF-style: chr1-40768370-G-A.
Other names: short protein forms P572L.
Identifiers: ClinVar variation 1396636 (VCV001396636.8), dbSNP rs578013765, ClinGen allele CA339876197.

ClinVar aggregate classification (germline): Uncertain significance (1 of 4 stars; one submission).

gnomAD v4.1: 2 of 1,590,844 alleles (0.00013%); highest among the groups gnomAD compares: African/African-American, 0.0027%; no homozygotes.

Submission:

Labcorp Genetics (formerly Invitae), Labcorp
Classification: Uncertain significance. Last evaluated: 2024-10-18. Review status: criteria provided, single submitter. Criteria: Invitae Variant Classification Sherloc (09022015). Collection method: clinical testing. Allele origin: germline.
Comment: This sequence change replaces proline, which is neutral and non-polar, with leucine, which is neutral and non-polar, at codon 572 of the COL9A2 protein (p.Pro572Leu). This variant is not present in population databases (gnomAD no frequency). This variant has not been reported in the literature in individuals affected with COL9A2-related conditions. ClinVar contains an entry for this variant (Variation ID: 1396636). Invitae Evidence Modeling of protein sequence and biophysical properties (such as structural, functional, and spatial information, amino acid conservation, physicochemical variation, residue mobility, and thermodynamic stability) indicates that this missense variant is not expected to disrupt COL9A2 protein function with a negative predictive value of 95%. In summary, the available evidence is currently insufficient to determine the role of this variant in disease. Therefore, it has been classified as a Variant of Uncertain Significance.